The following is an entry in ClinVar:

ClinVar aggregate classification (germline): Benign/Likely benign. Review status: criteria provided, multiple submitters, no conflicts (2 of 4 stars). 3 submissions from 3 submitters: Benign (1); Likely benign (1). 1 of the submissions does not count toward it. Last evaluated 2016-07-05.

Conditions:
HRAS-related disorder. Also called: HRAS-related condition.

Allele frequency attached by ClinVar (database versions not stated): gnomAD 0.00001 and 0.00002; gnomAD exomes 0.00002; TOPMed 0.00002; ExAC 0.00003.
gnomAD v4.1: 29 of 1,610,862 alleles (0.0018%); highest among the groups gnomAD compares: Admixed American, 0.0033%; no homozygotes.

Submissions (3):

Women's Health and Genetics/Laboratory Corporation of America, LabCorp
Classification: Likely benign. Last evaluated: 2016-07-05. Review status: criteria provided, single submitter. Criteria: LabCorp Variant Classification Summary - May 2015. Collection method: clinical testing. Allele origin: germline.
Comment: Variant summary: The HRAS c.*1C>T variant involves the alteration of a conserved nucleotide in 3 UTR region. One in silico tool (MutationTaster) predicts a damaging outcome for this variant. This variant was found in 3/110284 control chromosomes, observed exclusively in the European (Non-Finnish) subpopulation at a frequency of 0.00005 (3/59992). This frequency is about 20 times the estimated maximal expected allele frequency of a pathogenic HRAS variant (0.0000025), suggesting this is likely a benign polymorphism found primarily in the populations of European (Non-Finnish) origin. This variant has been reported in one Noonan syndrome (NS) patient who did not carry another pathogenic variant in other NS-related genes but did not segregate with the disease in that family (Lee, 2007). One clinical lab has classified this variant as benign without evidence to independently evaluate. Taken together, this variant is currently classified as Probable Normal Variant (a.k.a Likely Benign).

GeneDx
Classification: Benign. Last evaluated: 2012-08-28. Review status: criteria provided, single submitter. Criteria: GeneDx Variant Classification (06012015). Collection method: clinical testing. Allele origin: germline. Affected: yes.
Comment: This variant is considered likely benign or benign based on one or more of the following criteria: it is a conservative change, it occurs at a poorly conserved position in the protein, it is predicted to be benign by multiple in silico algorithms, and/or has population frequency not consistent with disease.

PreventionGenetics, part of Exact Sciences
Classification: Likely benign for HRAS-related condition. Last evaluated: 2020-09-08. Review status: no assertion criteria provided. Collection method: clinical testing. Allele origin: germline. Not counted in ClinVar's aggregate classification.
Comment: This variant is classified as likely benign based on ACMG/AMP sequence variant interpretation guidelines (Richards et al. 2015 PMID: 25741868, with internal and published modifications).

Literature cited by the submitters: PubMed 17661820 (cited by Women's Health and Genetics/Laboratory Corporation of America, LabCorp).

NM_005343.4(HRAS):c.*1C>T

Genes: HRAS (HRas proto-oncogene, GTPase; minus strand), LRRC56 (leucine rich repeat containing 56; plus strand). Cytogenetic location: 11p15.5.
Variant type: single nucleotide variant.
Coding change: c.*1C>T on transcript NM_005343.4 (MANE Select); 1 bases downstream of the stop codon, C replaced by T.
Molecular consequence: 3 prime UTR variant.
Genome position (GRCh38, 1-based): chr11:532,635, G>A on the plus strand (C>T on the coding strand, the complement: HRAS is on the minus strand). VCF-style: chr11-532635-G-A. GRCh37 (hg19) VCF-style: chr11-532635-G-A.
Other names: c.*1C>T (NM_001130442.3, NM_001318054.2, NM_005343.3); c.*140C>T (NM_176795.5).
Identifiers: ClinVar variation 137557 (VCV000137557.4), dbSNP rs730880327, ClinGen allele CA291188.